The following is an entry in ClinVar:

ClinVar aggregate classification (germline): Uncertain significance. Review status: criteria provided, multiple submitters, no conflicts (2 of 4 stars). 2 submissions from 2 submitters: Uncertain significance (2). Last evaluated 2022-06-14.

Conditions:
Immunodeficiency 104. Also called: Severe combined immunodeficiency, autosomal recessive, T cell-negative, B cell-positive, NK cell-positive; Severe Combined Immune Deficiency, Autosomal Recessive, TCell -Negative, B Cell-Positive, NK Cell-Positive, IL7R-Related; IMMUNODEFICIENCY 104, SEVERE COMBINED; SCID, AUTOSOMAL RECESSIVE, T CELL-NEGATIVE, B CELL-POSITIVE, NK CELL-POSITIVE. Identifiers: MedGen C5676890, MONDO:0012163, OMIM 608971.

Allele frequency attached by ClinVar (database versions not stated): gnomAD exomes below 0.00001.
gnomAD v4.1: 1 of 1,612,352 alleles (0.000062%); highest among the groups gnomAD compares: Admixed American, 0.0017%; no homozygotes.

Submissions (2):

Labcorp Genetics (formerly Invitae), Labcorp
Classification: Uncertain significance for Immunodeficiency 104. Last evaluated: 2022-06-14. Review status: criteria provided, single submitter. Criteria: Invitae Variant Classification Sherloc (09022015). Collection method: clinical testing. Allele origin: germline.
Comment: This sequence change replaces leucine, which is neutral and non-polar, with phenylalanine, which is neutral and non-polar, at codon 294 of the IL7R protein (p.Leu294Phe). This variant is not present in population databases (gnomAD no frequency). This variant has not been reported in the literature in individuals affected with IL7R-related conditions. ClinVar contains an entry for this variant (Variation ID: 36398). Advanced modeling of protein sequence and biophysical properties (such as structural, functional, and spatial information, amino acid conservation, physicochemical variation, residue mobility, and thermodynamic stability) performed at Invitae indicates that this missense variant is not expected to disrupt IL7R protein function. In summary, the available evidence is currently insufficient to determine the role of this variant in disease. Therefore, it has been classified as a Variant of Uncertain Significance.

Women's Health and Genetics/Laboratory Corporation of America, LabCorp
Classification: Uncertain significance. Last evaluated: 2020-11-10. Review status: criteria provided, single submitter. Criteria: LabCorp Variant Classification Summary - May 2015. Collection method: clinical testing. Allele origin: germline.
Comment: Variant summary: IL7R c.882A>C (p.Leu294Phe) results in a non-conservative amino acid change in the encoded protein sequence. Three of five in-silico tools predict a benign effect of the variant on protein function. The variant was absent in 249350 control chromosomes. The available data on variant occurrences in the general population are insufficient to allow any conclusion about variant significance. To our knowledge, no occurrence of c.882A>C in individuals affected with Severe Combined Immunodeficiency Syndrome and no experimental evidence demonstrating its impact on protein function have been reported. No clinical diagnostic laboratories have submitted clinical-significance assessments for this variant to ClinVar after 2014. Based on the evidence outlined above, the variant was classified as uncertain significance.

NM_002185.5(IL7R):c.882A>C (p.Leu294Phe)

Gene: IL7R (interleukin 7 receptor; plus strand). Cytogenetic location: 5p13.2.
Variant type: single nucleotide variant.
Coding change: c.882A>C on transcript NM_002185.5 (MANE Select); coding-DNA position 882, A replaced by C.
Protein change: p.Leu294Phe; replaces leucine 294 with phenylalanine.
Molecular consequence: missense variant. On other transcripts: non-coding transcript variant (1).
Genome position (GRCh38, 1-based): chr5:35,875,988, A>C. VCF-style: chr5-35875988-A-C. GRCh37 (hg19) VCF-style: chr5-35876090-A-C.
Other names: short protein forms L294F.
Identifiers: ClinVar variation 36398 (VCV000036398.5), dbSNP rs193922647, ClinGen allele CA214059.